The following is an entry in ClinVar:

NM_001009944.3(PKD1):c.8301C>T (p.Arg2767=)

Gene: PKD1 (polycystin 1, transient receptor potential channel interacting; minus strand). Cytogenetic location: 16p13.3.
Variant type: single nucleotide variant.
Coding change: c.8301C>T on transcript NM_001009944.3 (MANE Select); coding-DNA position 8301, C replaced by T.
Protein change: p.Arg2767=; no amino-acid change (arginine 2767 retained).
Molecular consequence: synonymous variant.
Genome position (GRCh38, 1-based): chr16:2,103,756, G>A on the plus strand (C>T on the coding strand, the complement: PKD1 is on the minus strand). VCF-style: chr16-2103756-G-A. GRCh37 (hg19) VCF-style: chr16-2153757-G-A.
Other names: c.8301C>T, p.Arg2767= (NM_000296.4).
Identifiers: ClinVar variation 3036252 (VCV003036252.2), dbSNP rs759839267, ClinGen allele CA7830569.

ClinVar aggregate classification (germline): Likely benign (0 of 4 stars; one submission).

Conditions:
PKD1-related disorder. Also called: PKD1-related condition.

Allele frequency attached by ClinVar (database versions not stated): ExAC 0.00002; TOPMed 0.00002.
gnomAD v4.1: 14 of 1,609,864 alleles (0.00087%); highest among the groups gnomAD compares: Admixed American, 0.005%; no homozygotes.

Submission:

PreventionGenetics, part of Exact Sciences
Classification: Likely benign for PKD1-related condition. Last evaluated: 2023-03-27. Review status: no assertion criteria provided. Collection method: clinical testing. Allele origin: germline.
Comment: This variant is classified as likely benign based on ACMG/AMP sequence variant interpretation guidelines (Richards et al. 2015 PMID: 25741868, with internal and published modifications).